The following is an entry in ClinVar:

ClinVar aggregate classification (germline): Uncertain significance (1 of 4 stars; one submission).

Conditions:
Familial adenomatous polyposis 1 (FAP1). Also called: POLYPOSIS, ADENOMATOUS INTESTINAL; FAMILIAL ADENOMATOUS POLYPOSIS 1, ATTENUATED. Identifiers: MedGen C2713442, MONDO:0021056, OMIM 175100. Disease mechanism: loss of function.

Allele frequency attached by ClinVar (database versions not stated): gnomAD 0.00001.

Submission:

Labcorp Genetics (formerly Invitae), Labcorp
Classification: Uncertain significance for Familial adenomatous polyposis 1. Last evaluated: 2025-06-09. Review status: criteria provided, single submitter. Criteria: Invitae Variant Classification Sherloc (09022015). Collection method: clinical testing. Allele origin: germline.
Comment: This variant occurs in a non-coding region of the APC gene. It does not change the encoded amino acid sequence of the APC protein. This variant is not present in population databases (gnomAD no frequency). This variant has not been reported in the literature in individuals affected with APC-related conditions. Experimental studies and prediction algorithms are not available or were not evaluated, and the functional significance of this variant is currently unknown. In summary, the available evidence is currently insufficient to determine the role of this variant in disease. Therefore, it has been classified as a Variant of Uncertain Significance.

NC_000005.10:g.112707416G>C

Gene: APC (APC regulator of Wnt signaling pathway; plus strand). Cytogenetic location: 5q22.2.
Variant type: single nucleotide variant.
Genome position: GRCh38 VCF-style: chr5-112707416-G-C. GRCh37 (hg19) VCF-style: chr5-112043113-G-C.
Identifiers: ClinVar variation 1051167 (VCV001051167.10), dbSNP rs1373788988, ClinGen allele CA802056898.